The following is an entry in ClinVar:

NM_000038.6(APC):c.779A>G (p.Gln260Arg)

Gene: APC (APC regulator of Wnt signaling pathway; plus strand). Cytogenetic location: 5q22.2.
Variant type: single nucleotide variant.
Coding change: c.779A>G on transcript NM_000038.6 (MANE Select); coding-DNA position 779, A replaced by G.
Protein change: p.Gln260Arg; replaces glutamine 260 with arginine.
Molecular consequence: missense variant. On other transcripts: 5 prime UTR variant (1).
Genome position (GRCh38, 1-based): chr5:112,801,328, A>G. VCF-style: chr5-112801328-A-G. GRCh37 (hg19) VCF-style: chr5-112137025-A-G.
Other names: c.779A>G, p.Gln260Arg (NM_001127510.3, NM_001354895.2, NM_001354896.2 and 1 more transcripts); c.725A>G, p.Gln242Arg (NM_001127511.3); c.809A>G, p.Gln270Arg (NM_001354897.2, NM_001354902.2); c.704A>G, p.Gln235Arg (NM_001354898.2, NM_001354904.2); c.695A>G, p.Gln232Arg (NM_001354899.2); c.602A>G, p.Gln201Arg (NM_001354900.2, NM_001354901.2, NM_001354905.2); c.-257A>G (NM_001354906.2); short protein forms Q201R, Q232R, Q235R, Q242R, Q260R, Q270R.
Identifiers: ClinVar variation 1172126 (VCV001172126.2), dbSNP rs2149711935, ClinGen allele CA16023033.
Genomic context (GRCh38, chr5:112,801,328, plus strand): 5'-CATCTTAACAGAGGTCATCTCAGAACAAGCATGAAACCGGCTCACATGATGCTGAGCGGC[A>G]GAATGAAGGTCAAGGAGTGGGAGAAATCAACATGGCAACTTCTGGTAATGGTCAGGTAAA-3'
Protein context (NP_000029.2, residues 250-270): HETGSHDAER[Gln260Arg]NEGQGVGEIN

ClinVar aggregate classification (germline): Uncertain significance (1 of 4 stars; one submission).

Conditions:
Hereditary cancer-predisposing syndrome. Also called: Tumor predisposition; Hereditary neoplastic syndrome; Hereditary Cancer Syndrome; Neoplastic Syndromes, Hereditary. Identifiers: Orphanet 140162, MedGen C0027672, MeSH D009386, MONDO:0015356.

Submission:

Color Diagnostics, LLC DBA Color Health
Classification: Uncertain significance for Hereditary cancer-predisposing syndrome. Last evaluated: 2020-11-16. Review status: criteria provided, single submitter. Criteria: ACMG Guidelines, 2015. Collection method: clinical testing. Allele origin: germline.
Comment: This missense variant replaces glutamine with arginine at codon 260 of the APC protein. Computational prediction suggests that this variant may not impact protein structure and function (internally defined REVEL score threshold <= 0.5, PMID: 27666373). To our knowledge, functional studies have not been reported for this variant. This variant has not been reported in individuals affected with hereditary cancer in the literature. This variant has not been identified in the general population by the Genome Aggregation Database (gnomAD). The available evidence is insufficient to determine the role of this variant in disease conclusively. Therefore, this variant is classified as a Variant of Uncertain Significance.